The following is an entry in ClinVar:

NM_016580.4(PCDH12):c.201G>T (p.Gln67His)

Genes: PCDH12 (protocadherin 12; minus strand), RNF14 (ring finger protein 14; plus strand). Cytogenetic location: 5q31.3.
Variant type: single nucleotide variant.
Coding change: c.201G>T on transcript NM_016580.4 (MANE Select); coding-DNA position 201, G replaced by T.
Protein change: p.Gln67His; replaces glutamine 67 with histidine.
Molecular consequence: missense variant.
Genome position (GRCh38, 1-based): chr5:141,957,651, C>A on the plus strand (G>T on the coding strand, the complement: PCDH12 is on the minus strand). VCF-style: chr5-141957651-C-A. GRCh37 (hg19) VCF-style: chr5-141337216-C-A.
Other names: short protein forms Q67H.
Identifiers: ClinVar variation 1362001 (VCV001362001.6), dbSNP rs758467622, ClinGen allele CA3484613.

ClinVar aggregate classification (germline): Uncertain significance (1 of 4 stars; one submission).

Allele frequency attached by ClinVar (database versions not stated): ExAC 0.00001; gnomAD 0.00001; gnomAD exomes 0.00001 and 0.00003; TOPMed 0.00002.
gnomAD v4.1: 10 of 1,614,082 alleles (0.00062%); highest among the groups gnomAD compares: Admixed American, 0.015%; no homozygotes.

Submission:

Labcorp Genetics (formerly Invitae), Labcorp
Classification: Uncertain significance. Last evaluated: 2022-02-10. Review status: criteria provided, single submitter. Criteria: Invitae Variant Classification Sherloc (09022015). Collection method: clinical testing. Allele origin: germline.
Comment: This sequence change replaces glutamine, which is neutral and polar, with histidine, which is basic and polar, at codon 67 of the PCDH12 protein (p.Gln67His). This variant is present in population databases (rs758467622, gnomAD 0.02%). This variant has not been reported in the literature in individuals affected with PCDH12-related conditions. Advanced modeling of protein sequence and biophysical properties (such as structural, functional, and spatial information, amino acid conservation, physicochemical variation, residue mobility, and thermodynamic stability) performed at Invitae indicates that this missense variant is not expected to disrupt PCDH12 protein function. In summary, the available evidence is currently insufficient to determine the role of this variant in disease. Therefore, it has been classified as a Variant of Uncertain Significance.